The following is an entry in ClinVar:

NM_000593.6(TAP1):c.1813C>T (p.Gln605Ter)

Gene: TAP1 (transporter 1, ATP binding cassette subfamily B member; minus strand). Cytogenetic location: 6p21.32.
Variant type: single nucleotide variant.
Coding change: c.1813C>T on transcript NM_000593.6 (MANE Select); coding-DNA position 1813, C replaced by T.
Protein change: p.Gln605Ter; replaces glutamine 605 with a stop codon.
Molecular consequence: nonsense.
Genome position (GRCh38, 1-based): chr6:32,847,603, G>A on the plus strand (C>T on the coding strand, the complement: TAP1 is on the minus strand). VCF-style: chr6-32847603-G-A. GRCh37 (hg19) VCF-style: chr6-32815380-G-A.
Other names: c.1210C>T, p.Gln404Ter (NM_001292022.2); short protein forms Q404*, Q605*.
Identifiers: ClinVar variation 2848869 (VCV002848869.3), dbSNP rs2483139594, ClinGen allele CA363591171.

ClinVar aggregate classification (germline): Pathogenic (1 of 4 stars; one submission).

Conditions:
MHC class I deficiency. Identifiers: Orphanet 34592, MedGen C6024714, MONDO:0011476.

Allele frequency attached by ClinVar (database versions not stated): gnomAD exomes below 0.00001.

Submission:

Labcorp Genetics (formerly Invitae), Labcorp
Classification: Pathogenic for MHC class I deficiency 1. Last evaluated: 2023-03-23. Review status: criteria provided, single submitter. Criteria: Invitae Variant Classification Sherloc (09022015). Collection method: clinical testing. Allele origin: germline.
Comment: For these reasons, this variant has been classified as Pathogenic. This variant has not been reported in the literature in individuals affected with TAP1-related conditions. This variant is not present in population databases (gnomAD no frequency). This sequence change creates a premature translational stop signal (p.Gln665*) in the TAP1 gene. It is expected to result in an absent or disrupted protein product. Loss-of-function variants in TAP1 are known to be pathogenic (PMID: 10074494, 10074495).

Literature cited by the submitters: PubMed 10074494; PubMed 10074495.